The following is an entry in ClinVar:

ClinVar aggregate classification (germline): Uncertain significance (1 of 4 stars; one submission).

Submission:

GeneDx
Classification: Uncertain significance. Last evaluated: 2025-04-22. Review status: criteria provided, single submitter. Criteria: GeneDx Variant Classification Process June 2021. Collection method: clinical testing. Allele origin: germline. Affected: yes.
Comment: Not observed at significant frequency in large population cohorts (gnomAD); In silico analysis supports that this missense variant has a deleterious effect on protein structure/function; Has not been previously published as pathogenic or benign to our knowledge

NM_002576.5(PAK1):c.1366G>A (p.Glu456Lys)

Gene: PAK1 (p21 (RAC1) activated kinase 1; minus strand). Cytogenetic location: 11q13.5.
Variant type: single nucleotide variant.
Coding change: c.1366G>A on transcript NM_002576.5 (MANE Select); coding-DNA position 1366, G replaced by A.
Protein change: p.Glu456Lys; replaces glutamic acid 456 with lysine.
Molecular consequence: missense variant. On other transcripts: non-coding transcript variant (2).
Genome position (GRCh38, 1-based): chr11:77,336,133, C>T on the plus strand (G>A on the coding strand, the complement: PAK1 is on the minus strand). VCF-style: chr11-77336133-C-T. GRCh37 (hg19) VCF-style: chr11-77047178-C-T.
Other names: c.1366G>A, p.Glu456Lys (NM_001376277.1, NM_001376278.1, NM_001376279.1 and 21 more transcripts); c.1387G>A, p.Glu463Lys (NM_001376272.1); c.1243G>A, p.Glu415Lys (NM_001376290.1, NM_001376291.1); c.1357G>A, p.Glu453Lys (NM_001376294.1); c.1189G>A, p.Glu397Lys (NM_001376295.1); c.1117G>A, p.Glu373Lys (NM_001376301.1); c.1072G>A, p.Glu358Lys (NM_001376302.1, NM_001376304.1, NM_001376305.1); c.1078G>A, p.Glu360Lys (NM_001376303.1); short protein forms E358K, E360K, E373K, E397K, E415K, E453K, E456K, E463K.
Identifiers: ClinVar variation 4527422 (VCV004527422.1).
Genomic context (GRCh38, chr11:77,336,133, plus strand): 5'-TGGTAACACTCACTCTCAGAGGGTTTTCATTGAGGTATGGAGGCTCCCCTTCAATCATTT[C>T]GATGGCCATGATGCCCAGGGACCAGATGTCAACCTTGGGCCCATAGGCCTTTCGTGTCAC-3'
Protein context (NP_002567.3, residues 446-466): DIWSLGIMAI[Glu456Lys]MIEGEPPYLN